The following is an entry in ClinVar:

ClinVar aggregate classification (germline): Uncertain significance (1 of 4 stars; one submission).

Conditions:
Lethal multiple pterygium syndrome (LMPS). Identifiers: Orphanet 33108, MedGen C1854678, MONDO:0009668, OMIM 253290.

Allele frequency attached by ClinVar (database versions not stated): gnomAD 0.00001; gnomAD exomes 0.00002; TOPMed 0.00002.
gnomAD v4.1: 29 of 1,614,090 alleles (0.0018%); highest among the groups gnomAD compares: African/African-American, 0.004%; no homozygotes.

Submission:

Labcorp Genetics (formerly Invitae), Labcorp
Classification: Uncertain significance for Lethal multiple pterygium syndrome. Last evaluated: 2024-04-09. Review status: criteria provided, single submitter. Criteria: Invitae Variant Classification Sherloc (09022015). Collection method: clinical testing. Allele origin: germline.
Comment: This sequence change replaces phenylalanine, which is neutral and non-polar, with leucine, which is neutral and non-polar, at codon 155 of the CHRNA1 protein (p.Phe155Leu). This variant is present in population databases (no rsID available, gnomAD 0.003%). This variant has not been reported in the literature in individuals affected with CHRNA1-related conditions. ClinVar contains an entry for this variant (Variation ID: 2067639). Advanced modeling of protein sequence and biophysical properties (such as structural, functional, and spatial information, amino acid conservation, physicochemical variation, residue mobility, and thermodynamic stability) performed at Invitae indicates that this missense variant is expected to disrupt CHRNA1 protein function with a positive predictive value of 80%. In summary, the available evidence is currently insufficient to determine the role of this variant in disease. Therefore, it has been classified as a Variant of Uncertain Significance.

NM_000079.4(CHRNA1):c.463T>C (p.Phe155Leu)

Gene: CHRNA1 (cholinergic receptor nicotinic alpha 1 subunit; minus strand). Cytogenetic location: 2q31.1.
Variant type: single nucleotide variant.
Coding change: c.463T>C on transcript NM_000079.4 (MANE Select); coding-DNA position 463, T replaced by C.
Protein change: p.Phe155Leu; replaces phenylalanine 155 with leucine.
Molecular consequence: missense variant.
Genome position (GRCh38, 1-based): chr2:174,754,296, A>G on the plus strand (T>C on the coding strand, the complement: CHRNA1 is on the minus strand). VCF-style: chr2-174754296-A-G. GRCh37 (hg19) VCF-style: chr2-175619024-A-G.
Other names: c.538T>C, p.Phe180Leu (NM_001039523.3); short protein forms F155L, F180L.
Identifiers: ClinVar variation 2067639 (VCV002067639.4), dbSNP rs1401690815, ClinGen allele CA349341224.